The following is an entry in ClinVar:

ClinVar aggregate classification (germline): Uncertain significance (1 of 4 stars; one submission).

gnomAD v4.1: 3 of 1,613,968 alleles (0.00019%); highest among the groups gnomAD compares: Non-Finnish European, 0.00017%; no homozygotes.

Submission:

Labcorp Genetics (formerly Invitae), Labcorp
Classification: Uncertain significance. Last evaluated: 2025-08-22. Review status: criteria provided, single submitter. Criteria: Invitae Variant Classification Sherloc (09022015). Collection method: clinical testing. Allele origin: germline.
Comment: This sequence change replaces glutamic acid, which is acidic and polar, with lysine, which is basic and polar, at codon 896 of the SPTA1 protein (p.Glu896Lys). This variant is not present in population databases (gnomAD no frequency). This variant has not been reported in the literature in individuals affected with SPTA1-related conditions. Invitae Evidence Modeling of protein sequence and biophysical properties (such as structural, functional, and spatial information, amino acid conservation, physicochemical variation, residue mobility, and thermodynamic stability) indicates that this missense variant is not expected to disrupt SPTA1 protein function with a negative predictive value of 80%. In summary, the available evidence is currently insufficient to determine the role of this variant in disease. Therefore, it has been classified as a Variant of Uncertain Significance.

NM_003126.4(SPTA1):c.2686G>A (p.Glu896Lys)

Gene: SPTA1 (spectrin alpha, erythrocytic 1; minus strand). Cytogenetic location: 1q23.1.
Variant type: single nucleotide variant.
Coding change: c.2686G>A on transcript NM_003126.4 (MANE Select); coding-DNA position 2686, G replaced by A.
Protein change: p.Glu896Lys; replaces glutamic acid 896 with lysine.
Molecular consequence: missense variant.
Genome position (GRCh38, 1-based): chr1:158,657,596, C>T on the plus strand (G>A on the coding strand, the complement: SPTA1 is on the minus strand). VCF-style: chr1-158657596-C-T. GRCh37 (hg19) VCF-style: chr1-158627386-C-T.
Other names: short protein forms E896K.
Identifiers: ClinVar variation 4765545 (VCV004765545.1).